The following is an entry in ClinVar:

ClinVar aggregate classification (germline): Conflicting classifications of pathogenicity. Review status: criteria provided, conflicting classifications (1 of 4 stars). 3 submissions from 3 submitters: Uncertain significance (1); Likely benign (2). Last evaluated 2025-10-27.

Conditions:
Deafness-lymphedema-leukemia syndrome. Also called: Emberger syndrome; Lymphedema, primary, with myelodysplasia. Identifiers: Orphanet 3226, MedGen C3279664, MONDO:0013540, OMIM 614038.
Monocytopenia with susceptibility to infections. Also called: GATA2 DEFICIENCY; MONOCYTOPENIA AND MYCOBACTERIAL INFECTION SYNDROME; MONOCYTOPENIA WITH SUSCEPTIBILITY TO MYCOBACTERIAL, FUNGAL, AND PAPILLOMAVIRUS INFECTIONS AND MYELODYSPLASIA; COMBINED IMMUNODEFICIENCY WITH SUSCEPTIBILITY TO MYCOBACTERIAL, VIRAL, AND FUNGAL INFECTIONS; Dendritic cell, monocyte, B lymphocyte, and natural killer lymphocyte deficiency; IMMUNODEFICIENCY 21. Identifiers: Orphanet 228423, MedGen C3280030, MONDO:0013607, OMIM 614172.

Allele frequency attached by ClinVar (database versions not stated): gnomAD exomes below 0.00001 and 0.00001.
gnomAD v4.1: 6 of 1,614,216 alleles (0.00037%); highest among the groups gnomAD compares: Middle Eastern, 0.016%; no homozygotes.

Submissions (3):

Mayo Clinic Laboratories, Mayo Clinic
Classification: Likely benign. Last evaluated: 2025-10-27. Review status: criteria provided, single submitter. Criteria: ACMG Guidelines, 2015. Collection method: clinical testing. Allele origin: germline. Observed: 1 variant allele.
Comment: BP4, BP7, PM2_supporting

Labcorp Genetics (formerly Invitae), Labcorp
Classification: Likely benign for Monocytopenia with susceptibility to infections; Deafness-lymphedema-leukemia syndrome. Last evaluated: 2024-09-30. Review status: criteria provided, single submitter. Criteria: Invitae Variant Classification Sherloc (09022015). Collection method: clinical testing. Allele origin: germline.

Illumina Laboratory Services, Illumina
Classification: Uncertain significance for Deafness-lymphedema-leukemia syndrome. Last evaluated: 2018-01-12. Review status: criteria provided, single submitter. Criteria: ICSL Variant Classification Criteria 13 December 2019. Collection method: clinical testing. Allele origin: germline.

NM_032638.5(GATA2):c.999C>T (p.Ile333=)

Gene: GATA2 (GATA binding protein 2; minus strand). Cytogenetic location: 3q21.3.
Variant type: single nucleotide variant.
Coding change: c.999C>T on transcript NM_032638.5 (MANE Select); coding-DNA position 999, C replaced by T.
Protein change: p.Ile333=; no amino-acid change (isoleucine 333 retained).
Molecular consequence: synonymous variant.
Genome position (GRCh38, 1-based): chr3:128,483,878, G>A on the plus strand (C>T on the coding strand, the complement: GATA2 is on the minus strand). VCF-style: chr3-128483878-G-A. GRCh37 (hg19) VCF-style: chr3-128202721-G-A.
Other names: p.Ile333=; c.999C>T, p.Ile333= (NM_001145661.2, NM_001145662.1).
Identifiers: ClinVar variation 899820 (VCV000899820.13), dbSNP rs886072363, ClinGen allele CA83370777.